The following is an entry in ClinVar:

ClinVar aggregate classification (germline): Pathogenic (1 of 4 stars; one submission).

Conditions:
Telangiectasia, hereditary hemorrhagic, type 2 (HHT2). Also called: Telangiectasia, hereditary hemorrhagic, type II; ACVRL1-Related Hereditary Hemorrhagic Telangiectasia. Identifiers: Orphanet 774, MedGen C1838163, MONDO:0010880, OMIM 600376. Disease mechanism: loss of function.

Submission:

Labcorp Genetics (formerly Invitae), Labcorp
Classification: Pathogenic for Telangiectasia, hereditary hemorrhagic, type 2. Last evaluated: 2024-03-14. Review status: criteria provided, single submitter. Criteria: Invitae Variant Classification Sherloc (09022015). Collection method: clinical testing. Allele origin: germline.
Comment: This sequence change affects an acceptor splice site in intron 6 of the ACVRL1 gene. It is expected to disrupt RNA splicing. Variants that disrupt the donor or acceptor splice site typically lead to a loss of protein function (PMID: 16199547), and loss-of-function variants in ACVRL1 are known to be pathogenic (PMID: 15879500). This variant is not present in population databases (gnomAD no frequency). Disruption of this splice site has been observed in individual(s) with hereditary hemorrhagic telangiectasia (PMID: 15024723, 21158752; Invitae). Algorithms developed to predict the effect of sequence changes on RNA splicing suggest that this variant may disrupt the consensus splice site. For these reasons, this variant has been classified as Pathogenic.

Literature cited by the submitters: PubMed 16199547; PubMed 15879500; PubMed 15024723; PubMed 21158752.

NM_000020.3(ACVRL1):c.773-2A>C

Gene: ACVRL1 (activin A receptor like type 1; plus strand). Cytogenetic location: 12q13.13.
Variant type: single nucleotide variant.
Coding change: c.773-2A>C on transcript NM_000020.3 (MANE Select); the canonical splice acceptor site of the intron before coding-DNA position 773, A replaced by C.
Molecular consequence: splice acceptor variant.
Genome position (GRCh38, 1-based): chr12:51,915,223, A>C. VCF-style: chr12-51915223-A-C. GRCh37 (hg19) VCF-style: chr12-52309007-A-C.
Other names: c.773-2A>C (NM_001406487.1, NM_001406488.1, NM_001077401.2 and 1 more transcripts); c.461-2A>C (NM_001406491.1, NM_001406490.1, NM_001406492.1 and 2 more transcripts); c.209-2A>C (NM_001406495.1).
Identifiers: ClinVar variation 3721152 (VCV003721152.2).